The following is an entry in ClinVar:

NM_024675.4(PALB2):c.1068A>G (p.Lys356=)

Gene: PALB2 (partner and localizer of BRCA2; minus strand). Cytogenetic location: 16p12.2.
Variant type: single nucleotide variant.
Coding change: c.1068A>G on transcript NM_024675.4 (MANE Select); coding-DNA position 1068, A replaced by G.
Protein change: p.Lys356=; no amino-acid change (lysine 356 retained).
Molecular consequence: synonymous variant. On other transcripts: intron variant (3).
Genome position (GRCh38, 1-based): chr16:23,635,478, T>C on the plus strand (A>G on the coding strand, the complement: PALB2 is on the minus strand). VCF-style: chr16-23635478-T-C. GRCh37 (hg19) VCF-style: chr16-23646799-T-C.
Other names: c.1008A>G, p.Lys336= (NM_001407296.1); c.1068A>G, p.Lys356= (NM_001407297.1, NM_001407298.1, NM_001407299.1 and 3 more transcripts); c.183A>G, p.Lys61= (NM_001407304.1, NM_001407305.1, NM_001407306.1 and 5 more transcripts); c.48+5632A>G (NM_001407314.1); c.-104-5009A>G (NM_001407313.1, NM_001407312.1).
Identifiers: ClinVar variation 2792738 (VCV002792738.5), dbSNP rs2142426828, ClinGen allele CA494461593.
Genomic context (GRCh38, chr16:23,635,478, plus strand): 5'-ACTTAGAATCTCACTTTCCTGAAGATTTTCATTCCTGCCATCAAGAGTGTCACTGGGAGA[T>C]TTTAAAGATTTCTCTGTTTGATTTTGTTCTTTTAAGTTTTGGTTTTCATTTGCTGGTAAG-3'
Protein context (NP_078951.2, residues 346-366): KEQNQTEKSL[Lys356=]SPSDTLDGRN

ClinVar aggregate classification (germline): Benign/Likely benign. Review status: criteria provided, multiple submitters, no conflicts (2 of 4 stars). 3 submissions from 3 submitters: Benign (1); Likely benign (2). Last evaluated 2025-01-13.

Conditions:
Hereditary cancer-predisposing syndrome. Also called: Hereditary Cancer Syndrome; Neoplastic Syndromes, Hereditary; Tumor predisposition; Hereditary neoplastic syndrome. Identifiers: Orphanet 140162, MedGen C0027672, MeSH D009386, MONDO:0015356.
Familial cancer of breast. Also called: BREAST CANCER, FAMILIAL; Hereditary breast cancer; hereditary breast carcinoma. Identifiers: Orphanet 227535, MedGen C0346153, MONDO:0016419, OMIM 114480. Disease mechanism: loss of function.

Submissions (3):

Myriad Genetics, Inc.
Classification: Benign for Familial cancer of breast. Last evaluated: 2025-01-13. Review status: criteria provided, single submitter. Criteria: Myriad Autosomal Dominant, Autosomal Recessive and X-Linked Classification Criteria (2023). Collection method: clinical testing. Allele origin: unknown.
Comment: This variant is considered benign. This variant is a silent/synonymous amino acid change and it is not expected to impact splicing.

Ambry Genetics
Classification: Likely benign for Hereditary cancer-predisposing syndrome. Last evaluated: 2024-07-13. Review status: criteria provided, single submitter. Criteria: Ambry Variant Classification Scheme 2023. Collection method: clinical testing. Allele origin: germline.

Labcorp Genetics (formerly Invitae), Labcorp
Classification: Likely benign for Familial cancer of breast. Last evaluated: 2023-09-30. Review status: criteria provided, single submitter. Criteria: Invitae Variant Classification Sherloc (09022015). Collection method: clinical testing. Allele origin: germline.